The following is an entry in ClinVar:

ClinVar aggregate classification (germline): Pathogenic/Likely pathogenic/Likely risk allele. Review status: criteria provided, multiple submitters, no conflicts (2 of 4 stars). 9 submissions from 9 submitters: Pathogenic (3); Likely pathogenic (2); Likely risk allele (1). 3 of the submissions do not count toward it. Last evaluated 2025-03-05.

Conditions:
INS-related disorders.
Monogenic diabetes. Identifiers: Orphanet 183625, MedGen C3888631, MONDO:0015967.
Diabetes mellitus type 1 (T1D). Also called: Type I diabetes mellitus; Diabetes Mellitus, Juvenile-Onset. Identifiers: MedGen C0011854, MONDO:0005147, OMIM 222100, HP:0100651.
INS-related disorder. Also called: INS-related condition.
Type 1 diabetes mellitus 2. Identifiers: MedGen C1852092, MONDO:0007454, OMIM 125852.

Submissions (9):

Labcorp Genetics (formerly Invitae), Labcorp
Classification: Likely pathogenic. Last evaluated: 2025-03-05. Review status: criteria provided, single submitter. Criteria: Invitae Variant Classification Sherloc (09022015). Collection method: clinical testing. Allele origin: germline.
Comment: This sequence change replaces arginine, which is basic and polar, with cysteine, which is neutral and slightly polar, at codon 55 of the INS protein (p.Arg55Cys). This variant is present in population databases (rs121908261, gnomAD 0.0009%). This missense change has been observed in individual(s) with autosomal dominant INS-related conditions (PMID: 18192540, 20007936, 26641800, 36504295; internal data). It has also been observed to segregate with disease in related individuals. ClinVar contains an entry for this variant (Variation ID: 13392). An algorithm developed to predict the effect of missense changes on protein structure and function (PolyPhen-2) suggests that this variant is likely to be disruptive. Experimental studies have shown that this missense change affects INS function (PMID: 20007936, 20948967). In summary, the currently available evidence indicates that the variant is pathogenic, but additional data are needed to prove that conclusively. Therefore, this variant has been classified as Likely Pathogenic.

Women's Health and Genetics/Laboratory Corporation of America, LabCorp
Classification: Pathogenic for Monogenic diabetes. Last evaluated: 2024-01-19. Review status: criteria provided, single submitter. Criteria: LabCorp Variant Classification Summary - May 2015. Collection method: clinical testing. Allele origin: germline.
Comment: Variant summary: INS c.163C>T (p.Arg55Cys) results in a non-conservative amino acid change located in the Insulin-like domain (IPR016179) of the encoded protein sequence. Five of five in-silico tools predict a damaging effect of the variant on protein function. The frequency data for this variant in gnomAD is considered unreliable, as metrics indicate poor data quality at this position. c.163C>T has been reported in the literature in multiple individuals affected with Monogenic Diabetes (example: Molven_2008, Meur_2010, Petruzelkova_2016, Colclough_2022). The variant segregated with the disease in two independent families (Molven_2008, and Meur_2010) and at-least one case is reported as a de novo occurrence (Molven_2008). These data indicate that the variant is very likely to be associated with disease. At least one publication reports experimental evidence that R55C leads to the reduction of proinsulin secretion from the ER (Meur_2010). The following publications have been ascertained in the context of this evaluation (PMID: 26641800, 34789499, 20007936, 18192540). ClinVar contains an entry for this variant (Variation ID: 13392). Based on the evidence outlined above, the variant was classified as pathogenic.

GeneDx
Classification: Pathogenic. Last evaluated: 2021-11-05. Review status: criteria provided, single submitter. Criteria: GeneDx Variant Classification Process June 2021. Collection method: clinical testing. Allele origin: germline. Affected: yes.
Comment: Published functional studies demonstrate that R55C leads to the reduction of proinsulin secretion from the ER and potential activation of the ER stress response (Meur et al., 2010; Liu et al., 2010); In silico analysis supports that this missense variant has a deleterious effect on protein structure/function; Not observed at a significant frequency in large population cohorts (gnomAD); This variant is associated with the following publications: (PMID: 23624530, 20938745, 20007936, 20948967, 27913849, 25721872, 20226046, 18192540)

Genetic Services Laboratory, University of Chicago
Classification: Likely pathogenic. Last evaluated: 2019-04-30. Review status: criteria provided, single submitter. Criteria: ACMG Guidelines, 2015. Collection method: clinical testing. Allele origin: germline. Affected: yes.
Comment: DNA sequence analysis of the INS gene demonstrated a sequence change, c.163C>T, in exon 2 that results in an amino acid change, p.Arg55Cys. The p.Arg55Cys change affects a moderately conserved amino acid residue located in a domain of the INS protein that is known to be functional. The p.Arg55Cys substitution appears to be deleterious using several in-silico pathogenicity prediction tools (SIFT, PolyPhen2, Align GVGD, REVEL). This sequence change has been described in the gnomAD database with a very low population frequency of 0.0004% (dbSNP rs121908261).

Blueprint Genetics
Classification: Pathogenic for INS-related disorders. Last evaluated: 2017-11-14. Review status: criteria provided, single submitter. Criteria: ACMG Guidelines, 2015. Collection method: clinical testing. Allele origin: germline. Affected: yes. Observed: 2 variant alleles.

Clinical Genomics, Uppaluri K&H Personalized Medicine Clinic
Classification: Likely risk allele for Diabetes mellitus type 1. Review status: criteria provided, single submitter. Criteria: K &amp; H Uppaluri Personalized Medicine Clinic Variant Classification &amp; Assertion Criteria_Updated V.1. Collection method: research. Allele origin: unknown. Inheritance: Autosomal dominant inheritance.
Comment: Potent mutations in the INS gene can cause early onset diabetes mellitus which is insulin dependent. May have poor response to sulfonylureas, mutations in this gene can cause beta cell destruction. Sufficient evidence is found to confer the association of this particular variant rs121908261 with type1B Diabetes mellitus.

PreventionGenetics, part of Exact Sciences
Classification: Pathogenic for INS-related condition. Last evaluated: 2024-07-19. Review status: no assertion criteria provided. Collection method: clinical testing. Allele origin: germline. Not counted in ClinVar's aggregate classification.
Comment: The INS c.163C>T variant is predicted to result in the amino acid substitution p.Arg55Cys. This variant has been reported in an individual with autoantibody-negative type 1 diabetes (Molven et al. 2008. PubMed ID: 18192540) and in several individuals with clinical features consistent with mature onset diabetes of the young (MODY) (Meur et al. 2009. PubMed ID: 20007936; Colclough et al. 2022. PubMed ID: 34789499; Yorifuji et al. 2022. PubMed ID: 36504295). In two families, there was evidence of segregation with diabetes (Molven et al. 2008. PubMed ID: 18192540; Meur et al. 2009. PubMed ID: 20007936). In one of the aforementioned families, the proband's mother had diabetes and was found to be de novo, yet the maternal grandfather had diabetes of unknown etiology (Molven et al. 2008. PubMed ID: 18192540). In vitro functional studies demonstrate reduced proinsulin secretion, ER retention, and ER stress (Meur et al. 2009. PubMed ID: 20007936). This variant is reported in 0.00091% of alleles in individuals of European (non-Finnish) descent in gnomAD; however, the quality of this data is questionable and should be treated with caution. This variant is interpreted as pathogenic.

OMIM
Classification: Pathogenic for TYPE 1 DIABETES MELLITUS 2. Last evaluated: 2008-04-01. Review status: no assertion criteria provided. Collection method: literature only. Allele origin: germline. Not counted in ClinVar's aggregate classification.

UniProtKB/Swiss-Prot
No classification provided. Condition: Diabetes mellitus, insulin-dependent, 2. Review status: no classification provided. Collection method: not provided. Allele origin: not provided. Not counted in ClinVar's aggregate classification.

Literature cited by the submitters: PubMed 18192540 (cited by 4 submitters); PubMed 20007936 (cited by Labcorp Genetics (formerly Invitae), Labcorp and Women's Health and Genetics/Laboratory Corporation of America, LabCorp); PubMed 26641800 (cited by Labcorp Genetics (formerly Invitae), Labcorp and Women's Health and Genetics/Laboratory Corporation of America, LabCorp); PubMed 36504295 (cited by Labcorp Genetics (formerly Invitae), Labcorp); PubMed 20948967 (cited by Labcorp Genetics (formerly Invitae), Labcorp); PubMed 34789499 (cited by Women's Health and Genetics/Laboratory Corporation of America, LabCorp); PubMed 20226046 (cited by Clinical Genomics, Uppaluri K&H Personalized Medicine Clinic); PubMed 20938745 (cited by Clinical Genomics, Uppaluri K&H Personalized Medicine Clinic).

NM_000207.3(INS):c.163C>T (p.Arg55Cys)

Genes: INS (insulin; minus strand), INS-IGF2 (INS-IGF2 readthrough; minus strand). Cytogenetic location: 11p15.5.
Variant type: single nucleotide variant.
Coding change: c.163C>T on transcript NM_000207.3 (MANE Select); coding-DNA position 163, C replaced by T.
Protein change: p.Arg55Cys; replaces arginine 55 with cysteine.
Molecular consequence: missense variant. On other transcripts: non-coding transcript variant (1).
Genome position (GRCh38, 1-based): chr11:2,160,809, G>A on the plus strand (C>T on the coding strand, the complement: INS is on the minus strand). VCF-style: chr11-2160809-G-A. GRCh37 (hg19) VCF-style: chr11-2182039-G-A.
Other names: c.163C>T, p.Arg55Cys (NM_001185097.2, NM_001185098.2, NM_001291897.2 and 1 more transcripts); short protein forms R55C.
Identifiers: ClinVar variation 13392 (VCV000013392.19), dbSNP rs121908261, ClinGen allele CA123087.